The following is an entry in ClinVar:

NM_000433.4(NCF2):c.1001-10T>G

Gene: NCF2 (neutrophil cytosolic factor 2; minus strand). Cytogenetic location: 1q25.3.
Variant type: single nucleotide variant.
Coding change: c.1001-10T>G on transcript NM_000433.4 (MANE Select); 10 bases into the intron before coding-DNA position 1001, T replaced by G.
Molecular consequence: intron variant.
Genome position (GRCh38, 1-based): chr1:183,564,040, A>C on the plus strand (T>G on the coding strand, the complement: NCF2 is on the minus strand). VCF-style: chr1-183564040-A-C. GRCh37 (hg19) VCF-style: chr1-183533175-A-C.
Other names: c.1001-10T>G (NM_001127651.3); c.758-10T>G (NM_001190789.2); c.866-10T>G (NM_001190794.2).
Identifiers: ClinVar variation 256114 (VCV000256114.20), dbSNP rs36113295, ClinGen allele CA1284715.

ClinVar aggregate classification (germline): Benign/Likely benign. Review status: criteria provided, multiple submitters, no conflicts (2 of 4 stars). 7 submissions from 7 submitters: Benign (6); Likely benign (1). Last evaluated 2026-02-04.

Conditions:
Granulomatous disease, chronic, autosomal recessive, cytochrome b-positive, type 2. Also called: Chronic Granulomatous Disease, Autosomal Recessive, Cytochrome b-Positive, Type II; GRANULOMATOUS DISEASE, CHRONIC, AUTOSOMAL RECESSIVE, 2; Chronic granulomatous disease due to deficiency of NCF-2; GRANULOMATOUS DISEASE, CHRONIC, DUE TO NCF2 DEFICIENCY; CGD, AUTOSOMAL RECESSIVE CYTOCHROME b-POSITIVE, TYPE II. Identifiers: Orphanet 379, MedGen C1856245, MONDO:0009310, OMIM 233710.

Allele frequency attached by ClinVar (database versions not stated): 1000 Genomes Project 0.00399; 1000 Genomes Project 30x 0.00422; TOPMed 0.01132; gnomAD exomes 0.01212 and 0.01751; gnomAD 0.01221 and 0.01255; ExAC 0.01297; ESP Exome Variant Server 0.01515.
gnomAD v4.1: 27,037 of 1,608,752 alleles (1.7%); highest among the groups gnomAD compares: Non-Finnish European, 2.1%; 307 homozygotes.

Submissions 1 to 29 of 45:

Labcorp Genetics (formerly Invitae), Labcorp
Classification: Benign for Granulomatous disease, chronic, autosomal recessive, cytochrome b-positive, type 2. Last evaluated: 2026-02-04. Review status: criteria provided, single submitter. Criteria: Invitae Variant Classification Sherloc (09022015). Collection method: clinical testing. Allele origin: germline.

Women's Health and Genetics/Laboratory Corporation of America, LabCorp
Classification: Benign. Last evaluated: 2026-01-23. Review status: criteria provided, single submitter. Criteria: LabCorp Variant Classification Summary - May 2015. Collection method: clinical testing. Allele origin: germline.

Blueprint Genetics
Classification: Likely benign. Last evaluated: 2024-11-26. Review status: criteria provided, single submitter. Criteria: ACMG Guidelines, 2015. Collection method: clinical testing. Allele origin: germline.

GeneDx
Classification: Benign. Last evaluated: 2020-04-03. Review status: criteria provided, single submitter. Criteria: GeneDx Variant Classification Process June 2021. Collection method: clinical testing. Allele origin: germline. Affected: yes.

Illumina Laboratory Services, Illumina
Classification: Benign for Granulomatous disease, chronic, autosomal recessive, cytochrome b-positive, type 2. Last evaluated: 2018-01-12. Review status: criteria provided, single submitter. Criteria: ICSL Variant Classification Criteria 13 December 2019. Collection method: clinical testing. Allele origin: germline.
Comment: This variant was observed in the ICSL laboratory as part of a predisposition screen in an ostensibly healthy population. It had not been previously curated by ICSL or reported in the Human Gene Mutation Database (HGMD: prior to June 1st, 2018), and was therefore a candidate for classification through an automated scoring system. Utilizing variant allele frequency, disease prevalence and penetrance estimates, and inheritance mode, an automated score was calculated to assess if this variant is too frequent to cause the disease. Based on the score and internal cut-off values, a variant classified as benign is not then subjected to further curation. The score for this variant resulted in a classification of benign for this disease.

Breakthrough Genomics
Classification: Benign. Review status: criteria provided, single submitter. Criteria: ACMG Guidelines, 2015. Collection method: not provided. Allele origin: germline. Inheritance: Autosomal recessive inheritance. Affected: yes.

PreventionGenetics, part of Exact Sciences
Classification: Benign. Review status: criteria provided, single submitter. Criteria: ACMG Guidelines, 2015. Collection method: clinical testing. Allele origin: germline.

Dr. Peter K. Rogan Lab, Western University
No classification provided (evidence only). Condition: Acute myeloid leukemia. Review status: no classification provided. Collection method: in vitro. Allele origin: not applicable. Functional consequence: skipped exon, retained intron. Not counted in ClinVar's aggregate classification.

Dr. Peter K. Rogan Lab, Western University
No classification provided (evidence only). Condition: Acute myeloid leukemia. Review status: no classification provided. Collection method: in vitro. Allele origin: not applicable. Functional consequence: retained intron. Not counted in ClinVar's aggregate classification.

Dr. Peter K. Rogan Lab, Western University
No classification provided (evidence only). Condition: Acute myeloid leukemia. Review status: no classification provided. Collection method: in vitro. Allele origin: not applicable. Functional consequence: retained intron. Not counted in ClinVar's aggregate classification.

Dr. Peter K. Rogan Lab, Western University
No classification provided (evidence only). Condition: Acute myeloid leukemia. Review status: no classification provided. Collection method: in vitro. Allele origin: not applicable. Functional consequence: retained intron. Not counted in ClinVar's aggregate classification.

Dr. Peter K. Rogan Lab, Western University
No classification provided (evidence only). Condition: Uterine corpus endometrial carcinoma. Review status: no classification provided. Collection method: in vitro. Allele origin: not applicable. Functional consequence: skipped exon, retained intron. Not counted in ClinVar's aggregate classification.

Dr. Peter K. Rogan Lab, Western University
No classification provided (evidence only). Condition: Uterine corpus endometrial carcinoma. Review status: no classification provided. Collection method: in vitro. Allele origin: not applicable. Functional consequence: retained intron. Not counted in ClinVar's aggregate classification.

Dr. Peter K. Rogan Lab, Western University
No classification provided (evidence only). Condition: Cervical cancer. Review status: no classification provided. Collection method: in vitro. Allele origin: not applicable. Functional consequence: skipped exon, retained intron. Not counted in ClinVar's aggregate classification.

Dr. Peter K. Rogan Lab, Western University
No classification provided (evidence only). Condition: Cervical cancer. Review status: no classification provided. Collection method: in vitro. Allele origin: not applicable. Functional consequence: skipped exon. Not counted in ClinVar's aggregate classification.

Dr. Peter K. Rogan Lab, Western University
No classification provided (evidence only). Condition: Cervical cancer. Review status: no classification provided. Collection method: in vitro. Allele origin: not applicable. Functional consequence: skipped exon, retained intron. Not counted in ClinVar's aggregate classification.

Dr. Peter K. Rogan Lab, Western University
No classification provided (evidence only). Condition: Cervical cancer. Review status: no classification provided. Collection method: in vitro. Allele origin: not applicable. Functional consequence: retained intron. Not counted in ClinVar's aggregate classification.

Dr. Peter K. Rogan Lab, Western University
No classification provided (evidence only). Condition: Cervical cancer. Review status: no classification provided. Collection method: in vitro. Allele origin: not applicable. Functional consequence: skipped exon, retained intron. Not counted in ClinVar's aggregate classification.

Dr. Peter K. Rogan Lab, Western University
No classification provided (evidence only). Condition: Thymoma. Review status: no classification provided. Collection method: in vitro. Allele origin: not applicable. Functional consequence: retained intron. Not counted in ClinVar's aggregate classification.

Dr. Peter K. Rogan Lab, Western University
No classification provided (evidence only). Condition: Ovarian serous cystadenocarcinoma. Review status: no classification provided. Collection method: in vitro. Allele origin: not applicable. Functional consequence: retained intron. Not counted in ClinVar's aggregate classification.

Dr. Peter K. Rogan Lab, Western University
No classification provided (evidence only). Condition: Ovarian serous cystadenocarcinoma. Review status: no classification provided. Collection method: in vitro. Allele origin: not applicable. Functional consequence: retained intron. Not counted in ClinVar's aggregate classification.

Dr. Peter K. Rogan Lab, Western University
No classification provided (evidence only). Condition: Ovarian serous cystadenocarcinoma. Review status: no classification provided. Collection method: in vitro. Allele origin: not applicable. Functional consequence: retained intron. Not counted in ClinVar's aggregate classification.

Dr. Peter K. Rogan Lab, Western University
No classification provided (evidence only). Condition: Ovarian serous cystadenocarcinoma. Review status: no classification provided. Collection method: in vitro. Allele origin: not applicable. Functional consequence: retained intron. Not counted in ClinVar's aggregate classification.

Dr. Peter K. Rogan Lab, Western University
No classification provided (evidence only). Condition: Ovarian serous cystadenocarcinoma. Review status: no classification provided. Collection method: in vitro. Allele origin: not applicable. Functional consequence: retained intron. Not counted in ClinVar's aggregate classification.

Dr. Peter K. Rogan Lab, Western University
No classification provided (evidence only). Condition: Gastric cancer. Review status: no classification provided. Collection method: in vitro. Allele origin: not applicable. Functional consequence: retained intron. Not counted in ClinVar's aggregate classification.

Dr. Peter K. Rogan Lab, Western University
No classification provided (evidence only). Condition: Gastric cancer. Review status: no classification provided. Collection method: in vitro. Allele origin: not applicable. Functional consequence: retained intron. Not counted in ClinVar's aggregate classification.

Dr. Peter K. Rogan Lab, Western University
No classification provided (evidence only). Condition: Uveal melanoma. Review status: no classification provided. Collection method: in vitro. Allele origin: not applicable. Functional consequence: retained intron. Not counted in ClinVar's aggregate classification.

Dr. Peter K. Rogan Lab, Western University
No classification provided (evidence only). Condition: Malignant tumor of esophagus. Review status: no classification provided. Collection method: in vitro. Allele origin: not applicable. Functional consequence: skipped exon, retained intron. Not counted in ClinVar's aggregate classification.

Dr. Peter K. Rogan Lab, Western University
No classification provided (evidence only). Condition: Malignant tumor of esophagus. Review status: no classification provided. Collection method: in vitro. Allele origin: not applicable. Functional consequence: retained intron. Not counted in ClinVar's aggregate classification.